The following is an entry in ClinVar:

ClinVar aggregate classification (germline): Uncertain significance (1 of 4 stars; one submission).

Conditions:
Cardiac arrhythmia. Also called: Cardiac rhythm disease; Arrhythmia. Identifiers: MedGen C0003811, MONDO:0007263, HP:0011675.

Allele frequency attached by ClinVar (database versions not stated): gnomAD exomes below 0.00001.

Submission:

Color Diagnostics, LLC DBA Color Health
Classification: Uncertain significance for Cardiac arrhythmia. Last evaluated: 2019-01-05. Review status: criteria provided, single submitter. Criteria: ACMG Guidelines, 2015. Collection method: clinical testing. Allele origin: germline.
Comment: Variant of Uncertain Significance due to insufficient evidence: This missense variant is located in the C-terminal cytoplasmic domain of the KCNQ1 protein. Computational prediction tools and conservation analyses are inconclusive regarding the impact of this variant on the protein function. Computational splicing tools suggest that this variant may not impact RNA splicing. To our knowledge, functional assays have not been performed for this variant nor has this variant been reported in individuals affected with cardiovascular disorders in the literature. This variant is rare in the general population and has been identified in 0/277264 chromosomes by the Genome Aggregation Database (gnomAD). Available evidence is insufficient to determine the role of this variant in disease conclusively.

NM_000218.3(KCNQ1):c.1409C>T (p.Thr470Ile)

Genes: KCNQ1 (potassium voltage-gated channel subfamily Q member 1; plus strand), KCNQ1OT1 (KCNQ1 opposite strand/antisense transcript 1; minus strand). Cytogenetic location: 11p15.5.
Variant type: single nucleotide variant.
Coding change: c.1409C>T on transcript NM_000218.3 (MANE Select); coding-DNA position 1409, C replaced by T.
Protein change: p.Thr470Ile; replaces threonine 470 with isoleucine.
Molecular consequence: missense variant.
Genome position (GRCh38, 1-based): chr11:2,661,976, C>T. VCF-style: chr11-2661976-C-T. GRCh37 (hg19) VCF-style: chr11-2683206-C-T.
Other names: c.1313C>T, p.Thr438Ile (NM_001406836.1); c.1139C>T, p.Thr380Ile (NM_001406837.1); c.869C>T, p.Thr290Ile (NM_001406838.1); c.1028C>T, p.Thr343Ile (NM_181798.2); short protein forms T343I, T470I, T380I, T438I, T290I.
Identifiers: ClinVar variation 920733 (VCV000920733.6), dbSNP rs1849964917, ClinGen allele CA379479396.
Genomic context (GRCh38, chr11:2,661,976, plus strand): 5'-GTTGGGTGGGAGGCCTAACGTGCTGTCCCCACACTTTCTCCTCAGTAAGGAAGAGCCCAA[C>T]ACTGCTGGAAGTGAGCATGCCCCATTTCATGAGAACCAACAGCTTCGCCGAGGACCTGGA-3'
Protein context (NP_000209.2, residues 460-480): GYDSSVRKSP[Thr470Ile]LLEVSMPHFM